The following is an entry in ClinVar:

NM_007272.3(CTRC):c.665G>A (p.Cys222Tyr)

Gene: CTRC (chymotrypsin C; plus strand). Cytogenetic location: 1p36.21.
Variant type: single nucleotide variant.
Coding change: c.665G>A on transcript NM_007272.3 (MANE Select); coding-DNA position 665, G replaced by A.
Protein change: p.Cys222Tyr; replaces cysteine 222 with tyrosine.
Molecular consequence: missense variant.
Genome position (GRCh38, 1-based): chr1:15,445,622, G>A. VCF-style: chr1-15445622-G-A. GRCh37 (hg19) VCF-style: chr1-15772117-G-A.
Other names: short protein forms C222Y.
Identifiers: ClinVar variation 4842303 (VCV004842303.1).

ClinVar aggregate classification (germline): Uncertain significance (1 of 4 stars; one submission).

Conditions:
Hereditary pancreatitis (PCTT). Also called: Hereditary chronic pancreatitis; PRSS1-Related Hereditary Pancreatitis. Identifiers: Orphanet 676, MedGen C0238339, MONDO:0008185, OMIM 167800.

Submission:

Ambry Genetics
Classification: Uncertain significance for Hereditary pancreatitis. Last evaluated: 2026-01-03. Review status: criteria provided, single submitter. Criteria: Ambry Variant Classification Scheme 2023. Collection method: clinical testing. Allele origin: germline.
Comment: The p.C222Y variant (also known as c.665G>A), located in coding exon 7 of the CTRC gene, results from a G to A substitution at nucleotide position 665. The cysteine at codon 222 is replaced by tyrosine, an amino acid with highly dissimilar properties. This amino acid position is conserved. In addition, this alteration is predicted to be deleterious by in silico analysis. Based on the available evidence, the clinical significance of this variant remains unclear.